The following is an entry in ClinVar:

ClinVar aggregate classification (germline): Uncertain significance. Review status: criteria provided, multiple submitters, no conflicts (2 of 4 stars). 2 submissions from 2 submitters: Uncertain significance (2). Last evaluated 2022-06-27.

Allele frequency attached by ClinVar (database versions not stated): ExAC 0.00001; gnomAD exomes 0.00001; gnomAD 0.00003; TOPMed 0.00006; 1000 Genomes Project 0.00020; 1000 Genomes Project 30x 0.00031.
gnomAD v4.1: 12 of 1,609,168 alleles (0.00075%); highest among the groups gnomAD compares: African/African-American, 0.011%; no homozygotes.

Submissions (2):

Labcorp Genetics (formerly Invitae), Labcorp
Classification: Uncertain significance. Last evaluated: 2022-06-27. Review status: criteria provided, single submitter. Criteria: Invitae Variant Classification Sherloc (09022015). Collection method: clinical testing. Allele origin: germline.
Comment: This sequence change replaces histidine, which is basic and polar, with asparagine, which is neutral and polar, at codon 393 of the KCNV2 protein (p.His393Asn). This variant is present in population databases (rs202139237, gnomAD 0.007%). This variant has not been reported in the literature in individuals affected with KCNV2-related conditions. Advanced modeling of protein sequence and biophysical properties (such as structural, functional, and spatial information, amino acid conservation, physicochemical variation, residue mobility, and thermodynamic stability) performed at Invitae indicates that this missense variant is expected to disrupt KCNV2 protein function. In summary, the available evidence is currently insufficient to determine the role of this variant in disease. Therefore, it has been classified as a Variant of Uncertain Significance.

Blueprint Genetics
Classification: Uncertain significance. Last evaluated: 2021-12-10. Review status: criteria provided, single submitter. Criteria: ACMG Guidelines, 2015. Collection method: clinical testing. Allele origin: germline.

NM_133497.4(KCNV2):c.1177C>A (p.His393Asn)

Gene: KCNV2 (potassium voltage-gated channel modifier subfamily V member 2; plus strand). Cytogenetic location: 9p24.2.
Variant type: single nucleotide variant.
Coding change: c.1177C>A on transcript NM_133497.4 (MANE Select); coding-DNA position 1177, C replaced by A.
Protein change: p.His393Asn; replaces histidine 393 with asparagine.
Molecular consequence: missense variant.
Genome position (GRCh38, 1-based): chr9:2,718,916, C>A. VCF-style: chr9-2718916-C-A. GRCh37 (hg19) VCF-style: chr9-2718916-C-A.
Other names: short protein forms H393N.
Identifiers: ClinVar variation 1425846 (VCV001425846.6), dbSNP rs202139237, ClinGen allele CA4965804.
Genomic context (GRCh38, chr9:2,718,916, plus strand): 5'-GGTCAGGTGTTGCGCGTCATGCGCCTCATGCGCATCTTCCGCATCCTCAAGCTGGCGCGC[C>A]ACTCCACCGGACTGCGTGCCTTCGGCTTCACGCTGCGCCAGTGCTACCAGCAGGTGGGCT-3'
Protein context (NP_598004.1, residues 383-403): RIFRILKLAR[His393Asn]STGLRAFGFT